The following is an entry in ClinVar:

ClinVar aggregate classification (germline): Uncertain significance (1 of 4 stars; one submission).

Conditions:
Cataract 23 (CTRCT23). Also called: CATARACT 23, LAMELLAR; Cataract 23, multiple types. Identifiers: Orphanet 91492, MedGen C3808012, MONDO:0012489, OMIM 610425.

Allele frequency attached by ClinVar (database versions not stated): TOPMed 0.00001.

Submission:

Labcorp Genetics (formerly Invitae), Labcorp
Classification: Uncertain significance for Cataract 23. Last evaluated: 2024-04-13. Review status: criteria provided, single submitter. Criteria: Invitae Variant Classification Sherloc (09022015). Collection method: clinical testing. Allele origin: germline.
Comment: This sequence change replaces arginine, which is basic and polar, with proline, which is neutral and non-polar, at codon 192 of the CRYBA4 protein (p.Arg192Pro). This variant is not present in population databases (gnomAD no frequency). This variant has not been reported in the literature in individuals affected with CRYBA4-related conditions. ClinVar contains an entry for this variant (Variation ID: 934986). An algorithm developed to predict the effect of missense changes on protein structure and function (PolyPhen-2) suggests that this variant is likely to be disruptive. In summary, the available evidence is currently insufficient to determine the role of this variant in disease. Therefore, it has been classified as a Variant of Uncertain Significance.

NM_001886.3(CRYBA4):c.575G>C (p.Arg192Pro)

Gene: CRYBA4 (crystallin beta A4; plus strand). Cytogenetic location: 22q12.1.
Variant type: single nucleotide variant.
Coding change: c.575G>C on transcript NM_001886.3 (MANE Select); coding-DNA position 575, G replaced by C.
Protein change: p.Arg192Pro; replaces arginine 192 with proline.
Molecular consequence: missense variant.
Genome position (GRCh38, 1-based): chr22:26,630,471, G>C. VCF-style: chr22-26630471-G-C. GRCh37 (hg19) VCF-style: chr22-27026435-G-C.
Other names: short protein forms R192P.
Identifiers: ClinVar variation 934986 (VCV000934986.10), dbSNP rs758790937, ClinGen allele CA322644517.